The following is an entry in ClinVar:

NM_001953.5(TYMP):c.1176C>T (p.Val392=)

Genes: SCO2 (synthesis of cytochrome C oxidase 2; minus strand), TYMP (thymidine phosphorylase; minus strand), LOC130067862 (ATAC-STARR-seq lymphoblastoid silent region 13986; plus strand). Cytogenetic location: 22q13.33.
Variant type: single nucleotide variant.
Coding change: c.1176C>T on transcript NM_001953.5 (MANE Select); coding-DNA position 1176, C replaced by T.
Protein change: p.Val392=; no amino-acid change (valine 392 retained).
Molecular consequence: synonymous variant. On other transcripts: 5 prime UTR variant (1), intron variant (1).
Genome position (GRCh38, 1-based): chr22:50,526,125, G>A on the plus strand (C>T on the coding strand, the complement: TYMP is on the minus strand). VCF-style: chr22-50526125-G-A. GRCh37 (hg19) VCF-style: chr22-50964554-G-A.
Other names: c.1176C>T, p.Val392= (NM_001113755.3, NM_001113756.3, NM_001257988.1); c.1191C>T, p.Val397= (NM_001257989.1); c.-138C>T (NM_001169110.1); c.-14+121C>T (NM_001169109.2).
Identifiers: ClinVar variation 342137 (VCV000342137.22), dbSNP rs770533125, ClinGen allele CA10321445.
Genomic context (GRCh38, chr22:50,526,125, plus strand): 5'-CCCAGCGCGGCTGCGCCCGGCCCCGAGCTCGTGCAGCACCAGCGCCAGCGGCAGCGCCCG[G>A]ACCAGCTCCACGGTGCCTGCGGGGAGAGGGGCTGAGAGGCGCGGGCTCGGGAAGGGGCGG-3'
Protein context (NP_001944.1, residues 382-402): LAPADGTVEL[Val392=]RALPLALVLH

ClinVar aggregate classification (germline): Conflicting classifications of pathogenicity. Review status: criteria provided, conflicting classifications (1 of 4 stars). 6 submissions from 6 submitters: Uncertain significance (2); Likely benign (3). 1 of the submissions does not count toward it. Last evaluated 2026-09-01.

Conditions:
Mitochondrial DNA depletion syndrome 1. Also called: Mitochondrial neurogastrointestinal encephalomyopathy syndrome; Mitochondrial Neurogastrointestinal Encephalopathy Disease; MITOCHONDRIAL NEUROGASTROINTESTINAL ENCEPHALOPATHY SYNDROME, TYMP-RELATED; MNGIE, TYMP-RELATED; POLIP SYNDROME; POLYNEUROPATHY, OPHTHALMOPLEGIA, LEUKOENCEPHALOPATHY, AND INTESTINAL PSEUDOOBSTRUCTION. Identifiers: Orphanet 298, MedGen C4551995, MONDO:0011283, OMIM 603041.
Mitochondrial neurogastrointestinal encephalomyopathy. Also called: Mitochondrial neurogastrointestinal encephalopathy syndrome; MNGIE syndrome; Thymidine phosphorylase deficiency. Identifiers: Orphanet 298, MedGen C0872218, MONDO:0017575.

Allele frequency attached by ClinVar (database versions not stated): gnomAD 0.00017 and 0.00021; gnomAD exomes 0.00020; TOPMed 0.00026; ExAC 0.00028; 1000 Genomes Project 30x 0.00016.
gnomAD v4.1: 369 of 1,489,306 alleles (0.025%); highest among the groups gnomAD compares: Middle Eastern, 0.084%; no homozygotes.

Submissions (6):

CeGaT Center for Human Genetics Tuebingen
Classification: Likely benign. Last evaluated: 2026-09-01. Review status: criteria provided, single submitter. Criteria: CeGaT Center For Human Genetics Tuebingen Variant Classification Criteria Version 2. Collection method: clinical testing. Allele origin: germline. Affected: yes. Observed: 1 variant allele.
Comment: TYMP: BP4, BP7

Labcorp Genetics (formerly Invitae), Labcorp
Classification: Likely benign. Last evaluated: 2026-01-19. Review status: criteria provided, single submitter. Criteria: Invitae Variant Classification Sherloc (09022015). Collection method: clinical testing. Allele origin: germline.

Blueprint Genetics
Classification: Likely benign. Last evaluated: 2024-06-10. Review status: criteria provided, single submitter. Criteria: ACMG Guidelines, 2015. Collection method: clinical testing. Allele origin: germline.

GeneDx
Classification: Uncertain significance. Last evaluated: 2022-03-02. Review status: criteria provided, single submitter. Criteria: GeneDx Variant Classification Process June 2021. Collection method: clinical testing. Allele origin: germline. Affected: yes.
Comment: In silico analysis supports that this variant does not alter splicing; Has not been previously published as pathogenic or benign to our knowledge

Illumina Laboratory Services, Illumina
Classification: Uncertain significance for Mitochondrial DNA depletion syndrome 1. Last evaluated: 2018-01-12. Review status: criteria provided, single submitter. Criteria: ICSL Variant Classification Criteria 13 December 2019. Collection method: clinical testing. Allele origin: germline.

Natera, Inc.
Classification: Likely benign for Mitochondrial neurogastrointestinal encephalomyopathy. Last evaluated: 2020-06-05. Review status: no assertion criteria provided. Collection method: clinical testing. Allele origin: germline. Not counted in ClinVar's aggregate classification.